The following is an entry in ClinVar:

NM_152419.3(HGSNAT):c.34_54dup (p.Leu12_Leu18dup)

Genes: HGSNAT (heparan-alpha-glucosaminide N-acetyltransferase; plus strand), LOC130000316 (ATAC-STARR-seq lymphoblastoid silent region 19164; plus strand). Cytogenetic location: 8p11.21.
Variant type: Duplication.
Coding change: c.34_54dup on transcript NM_152419.3 (MANE Select); coding-DNA positions 34 to 54, 21 bases duplicated (CTGCTGGCCGCGTCCGTGCTG).
Protein change: p.Leu12_Leu18dup.
Molecular consequence: inframe insertion. On other transcripts: 5 prime UTR variant (1).
Genome position (GRCh38, 1-based): chr8:43,140,530-43,140,550, CTGCTGGCCGCGTCCGTGCTG duplicated; duplicating any 21 consecutive bases within chr8:43,140,526-43,140,550 gives the same sequence; the c. name uses the placement nearest the transcript's 3' end. VCF-style (leftmost placement, unchanged base first): chr8-43140525-C-CGCTGCTGCTGGCCGCGTCCGT. GRCh37 (hg19) VCF-style: chr8-42995668-C-CGCTGCTGCTGGCCGCGTCCGT.
Other names: c.34_54dupCTGCTGGCCGCGTCCGTGCTG (NM_152419.3); c.34_54dup, p.Leu12_Leu18dup (NM_001363227.2, NM_001363228.2); c.-800_-780dup (NM_001363229.2).
Identifiers: ClinVar variation 550260 (VCV000550260.9), dbSNP rs961025173, ClinGen allele CA176095957.
Genomic context (GRCh38, chr8:43,140,525, plus strand): 5'-GGCAGGCAAGGGCGGCCGAGCGGGCGGCGGGCATGAGCGGGGCGGGCAGGGCGCTGGCCG[C>CGCTGCTGCTGGCCGCGTCCGT]GCTGCTGCTGGCCGCGTCCGTGCTGAGCGCCGCGCTGCTGGCCCCCGGCGGCTCTTCGGG-3'

ClinVar aggregate classification (germline): Uncertain significance. Review status: criteria provided, multiple submitters, no conflicts (2 of 4 stars). 5 submissions from 5 submitters: Uncertain significance (3). 2 of the submissions do not count toward it. Last evaluated 2026-01-19.

Conditions:
Mucopolysaccharidosis, MPS-III-C (MPS3C). Also called: SANFILIPPO SYNDROME C; MPS III C; MUCOPOLYSACCHARIDOSIS, TYPE IIIC; Mucopolysaccharidosis type IIIC (Sanfilippo C); MPS IIIC (Sanfilippo Syndrome Type C); mucopolysaccharidosis type 3C. Identifiers: Orphanet 581, Orphanet 79271, MedGen C0086649, MONDO:0009657, OMIM 252930.
Retinitis pigmentosa 73 (RP73). Identifiers: Orphanet 791, MedGen C4225287, MONDO:0014687, OMIM 616544.

Submissions (5):

Labcorp Genetics (formerly Invitae), Labcorp
Classification: Uncertain significance for Retinitis pigmentosa 73; Mucopolysaccharidosis, MPS-III-C. Last evaluated: 2026-01-19. Review status: criteria provided, single submitter. Criteria: Invitae Variant Classification Sherloc (09022015). Collection method: clinical testing. Allele origin: germline.
Comment: This variant, c.34_54dup, results in the insertion of 7 amino acid(s) of the HGSNAT protein (p.Leu12_Leu18dup), but otherwise preserves the integrity of the reading frame. This variant is present in population databases (no rsID available, gnomAD 0.01%). This variant has not been reported in the literature in individuals affected with HGSNAT-related conditions. ClinVar contains an entry for this variant (Variation ID: 550260). Experimental studies and prediction algorithms are not available or were not evaluated, and the functional significance of this variant is currently unknown. In summary, the available evidence is currently insufficient to determine the role of this variant in disease. Therefore, it has been classified as a Variant of Uncertain Significance.

Blueprint Genetics
Classification: Uncertain significance. Last evaluated: 2024-09-25. Review status: criteria provided, single submitter. Criteria: ACMG Guidelines, 2015. Collection method: clinical testing. Allele origin: germline.

Women's Health and Genetics/Laboratory Corporation of America, LabCorp
Classification: Uncertain significance. Last evaluated: 2018-05-14. Review status: criteria provided, single submitter. Criteria: LabCorp Variant Classification Summary - May 2015. Collection method: clinical testing. Allele origin: germline.
Comment: Variant summary: HGSNAT c.34_54dup21 (p.Leu12_Leu18dup) results in an in-frame insertion that is predicted to insert 7 amino acids into the encoded protein. The variant allele was found at a frequency of 7.5e-05 in 26610 control chromosomes (gnomAD). This frequency is not higher than expected for a pathogenic variant in HGSNAT causing Mucopolysaccharidosis Type IIIC (Sanfilippo Syndrome C) (7.5e-05 vs 0.001), allowing no conclusion about variant significance. To our knowledge, no occurrence of c.34_54dup21 in individuals affected with Mucopolysaccharidosis Type IIIC (Sanfilippo Syndrome C) and no experimental evidence demonstrating its impact on protein function have been reported. No clinical diagnostic laboratories have submitted clinical-significance assessments for this variant to ClinVar after 2014. Based on the evidence outlined above, the variant was classified as uncertain significance.

Natera, Inc.
Classification: Uncertain significance for Mucopolysaccharidosis type IIIC. Last evaluated: 2020-01-17. Review status: no assertion criteria provided. Collection method: clinical testing. Allele origin: germline. Not counted in ClinVar's aggregate classification.

Counsyl
Classification: Uncertain significance for Mucopolysaccharidosis, MPS-III-C. Last evaluated: 2017-01-05. Review status: no assertion criteria provided. Collection method: clinical testing. Allele origin: unknown. Not counted in ClinVar's aggregate classification.